The following is an entry in ClinVar:

NM_012203.2(GRHPR):c.501del (p.Ile168fs)

Gene: GRHPR (glyoxylate and hydroxypyruvate reductase; plus strand). Cytogenetic location: 9p13.2.
Variant type: Deletion.
Coding change: c.501del on transcript NM_012203.2 (MANE Select); coding-DNA position 501, one base deleted (C; older notation c.501delC).
Protein change: p.Ile168fs; shifts the reading frame from isoleucine 168.
Molecular consequence: frameshift variant.
Genome position (GRCh38, 1-based): chr9:37,429,739, C deleted; the last of 2 consecutive C bases (chr9:37,429,738-37,429,739); deleting either gives the same sequence. VCF-style (leftmost placement, unchanged base first): chr9-37429737-GC-G. GRCh37 (hg19) VCF-style: chr9-37429734-GC-G.
Other names: short protein forms I168fs.
Identifiers: ClinVar variation 2664103 (VCV002664103.1), dbSNP rs767052015, ClinGen allele CA5059131.

ClinVar aggregate classification (germline): Pathogenic (1 of 4 stars; one submission).

Conditions:
Primary hyperoxaluria, type II (HP2). Also called: OXALOSIS II; Primary hyperoxaluria type 2; D-GLYCERATE DEHYDROGENASE DEFICIENCY; GLYCERIC ACIDURIA; GLYOXYLATE REDUCTASE/HYDROXYPYRUVATE REDUCTASE DEFICIENCY. Identifiers: Orphanet 416, Orphanet 93599, MedGen C0268165, MONDO:0009824, OMIM 260000. Disease mechanism: loss of function.

Submission:

Rare Kidney Stone Consortium and the Mayo Clinic Hyperoxaluria Center, Mayo Clinic
Classification: Pathogenic for Primary hyperoxaluria, type II. Last evaluated: 2023-10-27. Review status: criteria provided, single submitter. Criteria: ACMG Guidelines, 2015. Collection method: clinical testing. Allele origin: germline. Affected: yes.
Comment: ACMG:PSV1 PM2 PM3 PP4

Literature cited by the submitters: PubMed 34805638.